The following is an entry in ClinVar:

ClinVar aggregate classification (germline): Conflicting classifications of pathogenicity. Review status: criteria provided, conflicting classifications (1 of 4 stars). 3 submissions from 3 submitters: Uncertain significance (2); Likely benign (1). Last evaluated 2026-04-01.

Conditions:
Neurodevelopmental disorder with severe motor impairment and absent language. Also called: NEURODEVELOPMENTAL DISORDER WITH VARIABLE MOTOR AND LANGUAGE IMPAIRMENT. Identifiers: Orphanet 647788, MedGen C4540496, MONDO:0060622, OMIM 617804.

Allele frequency attached by ClinVar (database versions not stated): gnomAD exomes 0.00004; ExAC 0.00017; gnomAD 0.00050; TOPMed 0.00056; ESP Exome Variant Server 0.00062.
gnomAD v4.1: 149 of 1,614,018 alleles (0.0092%); highest among the groups gnomAD compares: African/African-American, 0.15%; no homozygotes.

Submissions (3):

CeGaT Center for Human Genetics Tuebingen
Classification: Likely benign. Last evaluated: 2026-04-01. Review status: criteria provided, single submitter. Criteria: CeGaT Center For Human Genetics Tuebingen Variant Classification Criteria Version 2. Collection method: clinical testing. Allele origin: germline. Affected: yes. Observed: 1 variant allele.
Comment: DHX30: BS1

Dasa
Classification: Uncertain significance. Last evaluated: 2026-02-25. Review status: criteria provided, single submitter. Criteria: DASA Assertion Criteria. Collection method: clinical testing. Allele origin: germline.
Comment: NM_138615.3(DHX30):c.1666G>A (p.Val556Ile) is a missense variant that results in the substitution of valine with isoleucine. This classification is supported by population frequency inconsistent with a disease-causing role. The currently available literature and clinical evidence are not sufficient to establish a definitive association between this variant and the reported condition. Therefore, this variant is classified as a variant of uncertain significance.

Revvity Omics, Revvity
Classification: Uncertain significance for Neurodevelopmental disorder with severe motor impairment and absent language. Last evaluated: 2019-10-25. Review status: criteria provided, single submitter. Criteria: ACMG Guidelines, 2015. Collection method: clinical testing. Allele origin: germline.

NM_138615.3(DHX30):c.1666G>A (p.Val556Ile)

Gene: DHX30 (DExH-box helicase 30; plus strand). Cytogenetic location: 3p21.31.
Variant type: single nucleotide variant.
Coding change: c.1666G>A on transcript NM_138615.3 (MANE Select); coding-DNA position 1666, G replaced by A.
Protein change: p.Val556Ile; replaces valine 556 with isoleucine.
Molecular consequence: missense variant.
Genome position (GRCh38, 1-based): chr3:47,846,738, G>A. VCF-style: chr3-47846738-G-A. GRCh37 (hg19) VCF-style: chr3-47888228-G-A.
Other names: c.1582G>A, p.Val528Ile (NM_001330990.2); c.1549G>A, p.Val517Ile (NM_014966.4); short protein forms V517I, V528I, V556I.
Identifiers: ClinVar variation 2440773 (VCV002440773.7), dbSNP rs36045705, ClinGen allele CA2369943.
Genomic context (GRCh38, chr3:47,846,738, plus strand): 5'-ACTGTGGGTATCCTGCTGCGTAAGCTGCAGAGCAACCCCAGCCTGGAGGGCGTGAGCCAC[G>A]TCATCGTGGATGAGGTGCATGAGCGGGACGTGAACACAGACTTTCTGCTGATCCTGCTCA-3'
Protein context (NP_619520.1, residues 546-566): SNPSLEGVSH[Val556Ile]IVDEVHERDV